The following is an entry in ClinVar:

ClinVar aggregate classification (germline): Likely benign. Review status: criteria provided, multiple submitters, no conflicts (2 of 4 stars). 2 submissions from 2 submitters: Likely benign (2). Last evaluated 2025-12-08.

Allele frequency attached by ClinVar (database versions not stated): ExAC 0.00007; gnomAD 0.00007 and 0.00008; TOPMed 0.00007; 1000 Genomes Project 0.00040; 1000 Genomes Project 30x 0.00047.
gnomAD v4.1: 66 of 1,614,006 alleles (0.0041%); highest among the groups gnomAD compares: East Asian, 0.013%; no homozygotes.

Submissions (2):

Labcorp Genetics (formerly Invitae), Labcorp
Classification: Likely benign. Last evaluated: 2025-12-08. Review status: criteria provided, single submitter. Criteria: Invitae Variant Classification Sherloc (09022015). Collection method: clinical testing. Allele origin: germline.

CeGaT Center for Human Genetics Tuebingen
Classification: Likely benign. Last evaluated: 2025-10-01. Review status: criteria provided, single submitter. Criteria: CeGaT Center For Human Genetics Tuebingen Variant Classification Criteria Version 2. Collection method: clinical testing. Allele origin: germline. Affected: yes. Observed: 1 variant allele.
Comment: LETM1: BP4, BP7

NM_012318.3(LETM1):c.1290C>T (p.Ala430=)

Gene: LETM1 (leucine zipper and EF-hand containing transmembrane protein 1; minus strand). Cytogenetic location: 4p16.3.
Variant type: single nucleotide variant.
Coding change: c.1290C>T on transcript NM_012318.3 (MANE Select); coding-DNA position 1290, C replaced by T.
Protein change: p.Ala430=; no amino-acid change (alanine 430 retained).
Molecular consequence: synonymous variant.
Genome position (GRCh38, 1-based): chr4:1,823,686, G>A on the plus strand (C>T on the coding strand, the complement: LETM1 is on the minus strand). VCF-style: chr4-1823686-G-A. GRCh37 (hg19) VCF-style: chr4-1825413-G-A.
Identifiers: ClinVar variation 1614291 (VCV001614291.14), dbSNP rs199973293, ClinGen allele CA2811331.